The following is an entry in ClinVar:

ClinVar aggregate classification (germline): Uncertain significance. Review status: criteria provided, multiple submitters, no conflicts (2 of 4 stars). 2 submissions from 2 submitters: Uncertain significance (2). Last evaluated 2024-03-27.

Conditions:
Pseudohypoaldosteronism, type IB2, autosomal recessive (PHA1B2). Identifiers: MedGen C5774255, MONDO:0859317, OMIM 620125.
Liddle syndrome 1 (LIDLS1). Also called: PSEUDOALDOSTERONISM. Identifiers: Orphanet 526, MedGen CN031472, MONDO:0020607, OMIM 177200.
Bronchiectasis with or without elevated sweat chloride 1 (BESC1). Also called: Cystic Fibrosis-Like Syndrome. Identifiers: Orphanet 60033, MedGen C2749757, MONDO:0008887, OMIM 211400.

Allele frequency attached by ClinVar (database versions not stated): gnomAD 0.00001; TOPMed 0.00002.
gnomAD v4.1: 20 of 1,614,064 alleles (0.0012%); highest among the groups gnomAD compares: East Asian, 0.0022%; no homozygotes.

Submissions (2):

Fulgent Genetics
Classification: Uncertain significance for Liddle syndrome 1; Bronchiectasis with or without elevated sweat chloride 1; Pseudohypoaldosteronism, type IB2, autosomal recessive. Last evaluated: 2024-03-27. Review status: criteria provided, single submitter. Criteria: ACMG Guidelines, 2015. Collection method: clinical testing. Allele origin: germline.

Labcorp Genetics (formerly Invitae), Labcorp
Classification: Uncertain significance. Last evaluated: 2023-10-03. Review status: criteria provided, single submitter. Criteria: Invitae Variant Classification Sherloc (09022015). Collection method: clinical testing. Allele origin: germline.
Comment: This sequence change replaces arginine, which is basic and polar, with tryptophan, which is neutral and slightly polar, at codon 563 of the SCNN1B protein (p.Arg563Trp). This variant is not present in population databases (gnomAD no frequency). This variant has not been reported in the literature in individuals affected with SCNN1B-related conditions. Advanced modeling of protein sequence and biophysical properties (such as structural, functional, and spatial information, amino acid conservation, physicochemical variation, residue mobility, and thermodynamic stability) performed at Invitae indicates that this missense variant is not expected to disrupt SCNN1B protein function. In summary, the available evidence is currently insufficient to determine the role of this variant in disease. Therefore, it has been classified as a Variant of Uncertain Significance.

NM_000336.3(SCNN1B):c.1687C>T (p.Arg563Trp)

Gene: SCNN1B (sodium channel epithelial 1 subunit beta; plus strand). Cytogenetic location: 16p12.2.
Variant type: single nucleotide variant.
Coding change: c.1687C>T on transcript NM_000336.3 (MANE Select); coding-DNA position 1687, C replaced by T.
Protein change: p.Arg563Trp; replaces arginine 563 with tryptophan.
Molecular consequence: missense variant.
Genome position (GRCh38, 1-based): chr16:23,380,565, C>T. VCF-style: chr16-23380565-C-T. GRCh37 (hg19) VCF-style: chr16-23391886-C-T.
Other names: c.1579C>T, p.Arg527Trp (NM_001410900.1); short protein forms R563W, R527W.
Identifiers: ClinVar variation 3005901 (VCV003005901.4), dbSNP rs974067274, ClinGen allele CA279491246.
Genomic context (GRCh38, chr16:23,380,565, plus strand): 5'-ATCATCATCGACTTTGTGTGGATCACCATCATCAAGCTGGTGGCCTTGGCCAAGAGCCTA[C>T]GGCAGCGGCGAGCCCAAGCCAGCTACGCTGGCCCACCGCCCACCGTGGCCGAGCTGGTGG-3'
Protein context (NP_000327.2, residues 553-573): IKLVALAKSL[Arg563Trp]QRRAQASYAG